The following is an entry in ClinVar:

ClinVar aggregate classification (germline): Pathogenic (1 of 4 stars; one submission).

Conditions:
Mucopolysaccharidosis type 7 (MPS7). Also called: GUSB DEFICIENCY; MPS VII; BETA-GLUCURONIDASE DEFICIENCY; SLY SYNDROME. Identifiers: Orphanet 584, MedGen C0085132, MONDO:0009662, OMIM 253220.

Submission:

Women's Health and Genetics/Laboratory Corporation of America, LabCorp
Classification: Pathogenic for Mucopolysaccharidosis type 7. Last evaluated: 2024-10-14. Review status: criteria provided, single submitter. Criteria: LabCorp Variant Classification Summary - May 2015. Collection method: clinical testing. Allele origin: germline.
Comment: Variant summary: GUSB c.687dupT (p.Asp230X) results in a premature termination codon, predicted to cause a truncation of the encoded protein or absence of the protein due to nonsense mediated decay, which are commonly known mechanisms for disease. The variant was absent in 251364 control chromosomes (gnomAD). To our knowledge, no occurrence of c.687dupT in individuals affected with Mucopolysaccharidosis Type VII (Sly Syndrome) and no experimental evidence demonstrating its impact on protein function have been reported. No submitters have cited clinical-significance assessments for this variant to ClinVar. Based on the evidence outlined above, the variant was classified as pathogenic.

NM_000181.4(GUSB):c.687dup (p.Asp230Ter)

Gene: GUSB (glucuronidase beta; minus strand). Cytogenetic location: 7q11.21.
Variant type: Duplication.
Coding change: c.687dup on transcript NM_000181.4 (MANE Select); coding-DNA position 687, one base duplicated (T; older notation c.687dupT).
Protein change: p.Asp230Ter; replaces aspartic acid 230 with a stop codon.
Molecular consequence: nonsense. On other transcripts: non-coding transcript variant (1), intron variant (2).
Genome position (GRCh38, 1-based): chr7:65,979,436, A duplicated on the plus strand (T on the coding strand, the reverse complement: GUSB is on the minus strand). VCF-style (leftmost placement, unchanged base first): chr7-65979435-C-CA. GRCh37 (hg19) VCF-style: chr7-65444422-C-CA.
Other names: c.117dup, p.Asp40Ter (NM_001293104.2); c.67+788dup (NM_001293105.2); c.474+398dup (NM_001284290.2); c.687dupT (NM_000181.4); short protein forms D230*, D40*.
Identifiers: ClinVar variation 3384714 (VCV003384714.1).